The following is an entry in ClinVar:

NM_002828.4(PTPN2):c.671G>A (p.Gly224Asp)

Gene: PTPN2 (protein tyrosine phosphatase non-receptor type 2; minus strand). Cytogenetic location: 18p11.21.
Variant type: single nucleotide variant.
Coding change: c.671G>A on transcript NM_002828.4 (MANE Select); coding-DNA position 671, G replaced by A.
Protein change: p.Gly224Asp; replaces glycine 224 with aspartic acid.
Molecular consequence: missense variant.
Genome position (GRCh38, 1-based): chr18:12,817,190, C>T on the plus strand (G>A on the coding strand, the complement: PTPN2 is on the minus strand). VCF-style: chr18-12817190-C-T. GRCh37 (hg19) VCF-style: chr18-12817189-C-T.
Other names: c.740G>A, p.Gly247Asp (NM_001207013.2); c.584G>A, p.Gly195Asp (NM_001308287.1); c.671G>A, p.Gly224Asp (NM_080422.3, NM_080423.3); short protein forms G195D, G224D, G247D.
Identifiers: ClinVar variation 5009024 (VCV005009024.1).
Genomic context (GRCh38, chr18:12,817,190, plus strand): 5'-AAAATGAGATCGTAAGAAGCACTTACCAAAACAAGACAAGTGTCTACCAGAGAGAAGGTG[C>T]CAGAGCGCCCAATGCCTGCACTACAGTGGATCACCGCAGGCCCATGGTCAGGGTTCAAGG-3'
Protein context (NP_002819.2, residues 214-234): IHCSAGIGRS[Gly224Asp]TFSLVDTCLV

ClinVar aggregate classification (germline): Uncertain significance (1 of 4 stars; one submission).

Submission:

GeneDx
Classification: Uncertain significance. Last evaluated: 2026-03-10. Review status: criteria provided, single submitter. Criteria: GeneDx Variant Classification Process June 2021. Collection method: clinical testing. Allele origin: germline.
Comment: Not observed at significant frequency in large population cohorts (gnomAD); In silico analysis supports that this missense variant has a deleterious effect on protein structure/function; Has not been previously published as pathogenic or benign to our knowledge